The following is an entry in ClinVar:

ClinVar aggregate classification (germline): Uncertain significance. Review status: criteria provided, single submitter (1 of 4 stars). 3 submissions from 3 submitters: Uncertain significance (1). 2 of the submissions do not count toward it. Last evaluated 2023-12-27.

Conditions:
Cystic fibrosis (CF). Also called: MUCOVISCIDOSIS. Identifiers: Orphanet 586, MedGen C0010674, MONDO:0009061, OMIM 219700. Disease mechanism: loss of function.

gnomAD v4.1: 1 of 1,611,988 alleles (0.000062%); highest among the groups gnomAD compares: South Asian, 0.0011%; no homozygotes.

Submissions (3):

Women's Health and Genetics/Laboratory Corporation of America, LabCorp
Classification: Uncertain significance. Last evaluated: 2023-12-27. Review status: criteria provided, single submitter. Criteria: LabCorp Variant Classification Summary - May 2015. Collection method: clinical testing. Allele origin: germline.
Comment: Variant summary: CFTR c.1478A>C (p.Gln493Pro) results in a non-conservative amino acid change located in the ABC transporter-like, ATP-binding domain (IPR003439) of the encoded protein sequence. Five of five in-silico tools predict a damaging effect of the variant on protein function. The variant was absent in 251326 control chromosomes (gnomAD). c.1478A>C has been reported in the literature in at-least one homozygous individual with a mild Cystic Fibrosis phenotype (example: Kilin_2002) . These data indicate that the variant may be associated with disease. To our knowledge, no experimental evidence demonstrating an impact on protein function has been reported. The following publications have been ascertained in the context of this evaluation (PMID: 33572515, 12439892). One submitter has cited clinical-significance assessments for this variant to ClinVar after 2014 and has classified the variant as uncertain significance. Based on the evidence outlined above, the variant was classified as VUS-possibly pathogenic.

Counsyl
Classification: Uncertain significance for Cystic fibrosis. Last evaluated: 2017-10-04. Review status: no assertion criteria provided. Collection method: clinical testing. Allele origin: unknown. Not counted in ClinVar's aggregate classification.

ClinVar Staff, National Center for Biotechnology Information (NCBI)
No classification provided. Condition: CFTR-related disorders. Review status: no classification provided. Collection method: literature only. Allele origin: germline. Affected: yes. Not counted in ClinVar's aggregate classification.

Literature cited by the submitters: PubMed 12439892 (cited by 3 submitters); PubMed 33572515 (cited by Women's Health and Genetics/Laboratory Corporation of America, LabCorp).

NM_000492.4(CFTR):c.1478A>C (p.Gln493Pro)

Genes: CFTR (CF transmembrane conductance regulator; plus strand), CFTR-AS1 (CFTR antisense RNA 1; minus strand). Cytogenetic location: 7q31.2.
Variant type: single nucleotide variant.
Coding change: c.1478A>C on transcript NM_000492.4 (MANE Select); coding-DNA position 1478, A replaced by C.
Protein change: p.Gln493Pro; replaces glutamine 493 with proline.
Molecular consequence: missense variant.
Genome position (GRCh38, 1-based): chr7:117,559,549, A>C. VCF-style: chr7-117559549-A-C. GRCh37 (hg19) VCF-style: chr7-117199603-A-C.
Other names: short protein forms Q493P.
Identifiers: ClinVar variation 53262 (VCV000053262.3), dbSNP rs397508214, ClinGen allele CA326496.